The following is an entry in ClinVar:

NM_000218.3(KCNQ1):c.40C>G (p.Arg14Gly)

Gene: KCNQ1 (potassium voltage-gated channel subfamily Q member 1; plus strand). Cytogenetic location: 11p15.5.
Variant type: single nucleotide variant.
Coding change: c.40C>G on transcript NM_000218.3 (MANE Select); coding-DNA position 40, C replaced by G.
Protein change: p.Arg14Gly; replaces arginine 14 with glycine.
Molecular consequence: missense variant. On other transcripts: 5 prime UTR variant (1).
Genome position (GRCh38, 1-based): chr11:2,445,138, C>G. VCF-style: chr11-2445138-C-G. GRCh37 (hg19) VCF-style: chr11-2466368-C-G.
Other names: c.40C>G, p.Arg14Gly (NM_001406836.1, NM_001406838.1); c.-323C>G (NM_001406837.1); short protein forms R14G.
Identifiers: ClinVar variation 3862985 (VCV003862985.1).

ClinVar aggregate classification (germline): Uncertain significance (1 of 4 stars; one submission).

Conditions:
Cardiovascular phenotype. Identifiers: MedGen CN230736.

Submission:

Ambry Genetics
Classification: Uncertain significance for Cardiovascular phenotype. Last evaluated: 2025-02-05. Review status: criteria provided, single submitter. Criteria: Ambry Variant Classification Scheme 2023. Collection method: clinical testing. Allele origin: germline.
Comment: The p.R14G variant (also known as c.40C>G), located in coding exon 1 of the KCNQ1 gene, results from a C to G substitution at nucleotide position 40. The arginine at codon 14 is replaced by glycine, an amino acid with dissimilar properties. This amino acid position is highly conserved in available vertebrate species. In addition, the in silico prediction for this alteration is inconclusive. Based on the available evidence, the clinical significance of this variant remains unclear.